The following is an entry in ClinVar:

ClinVar aggregate classification (germline): Uncertain significance (1 of 4 stars; one submission).

Conditions:
Hereditary cancer-predisposing syndrome. Also called: Neoplastic Syndromes, Hereditary; Tumor predisposition; Hereditary Cancer Syndrome; Hereditary neoplastic syndrome. Identifiers: Orphanet 140162, MedGen C0027672, MeSH D009386, MONDO:0015356.

Submission:

Ambry Genetics
Classification: Uncertain significance for Hereditary cancer-predisposing syndrome. Last evaluated: 2024-08-18. Review status: criteria provided, single submitter. Criteria: Ambry Variant Classification Scheme 2023. Collection method: clinical testing. Allele origin: germline.
Comment: The p.R447S variant (also known as c.1341G>C) is located in coding exon 13 of the NF2 gene. The arginine at codon 447 is replaced by serine, an amino acid with dissimilar properties. This change occurs in the first base pair of coding exon 13. This amino acid position is conserved. In addition, this alteration is predicted to be deleterious by in silico analysis. Based on the available evidence, the clinical significance of this variant remains unclear.

NM_000268.4(NF2):c.1341G>C (p.Arg447Ser)

Gene: NF2 (NF2, moesin-ezrin-radixin like (MERLIN) tumor suppressor; plus strand). Cytogenetic location: 22q12.2.
Variant type: single nucleotide variant.
Coding change: c.1341G>C on transcript NM_000268.4 (MANE Select); coding-DNA position 1341, G replaced by C.
Protein change: p.Arg447Ser; replaces arginine 447 with serine.
Molecular consequence: missense variant. On other transcripts: non-coding transcript variant (1), intron variant (1).
Genome position (GRCh38, 1-based): chr22:29,674,836, G>C. VCF-style: chr22-29674836-G-C. GRCh37 (hg19) VCF-style: chr22-30070825-G-C.
Other names: c.1227G>C, p.Arg409Ser (NM_001407053.1, NM_001407056.1); c.1218G>C, p.Arg406Ser (NM_001407054.1, NM_001407058.1, NM_181829.3); c.1215G>C, p.Arg405Ser (NM_001407055.1, NM_181828.3); c.1206G>C, p.Arg402Ser (NM_001407057.1, NM_001407059.1); c.1341G>C, p.Arg447Ser (NM_001407060.1, NM_001407066.1, NM_016418.5 and 2 more transcripts); c.1083G>C, p.Arg361Ser (NM_001407062.1); c.1092G>C, p.Arg364Ser (NM_001407063.1, NM_001407064.1, NM_181830.3 and 1 more transcripts); c.807G>C, p.Arg269Ser (NM_001407065.1); and 2 more; short protein forms R269S, R361S, R406S, R370S, R405S, R402S, R409S, R447S.
Identifiers: ClinVar variation 3404993 (VCV003404993.1).